The following is an entry in ClinVar:

NM_005144.5(HR):c.2508G>T (p.Arg836=)

Gene: HR (HR lysine demethylase and nuclear receptor corepressor; minus strand). Cytogenetic location: 8p21.3.
Variant type: single nucleotide variant.
Coding change: c.2508G>T on transcript NM_005144.5 (MANE Select); coding-DNA position 2508, G replaced by T.
Protein change: p.Arg836=; no amino-acid change (arginine 836 retained).
Molecular consequence: synonymous variant.
Genome position (GRCh38, 1-based): chr8:22,120,818, C>A on the plus strand (G>T on the coding strand, the complement: HR is on the minus strand). VCF-style: chr8-22120818-C-A. GRCh37 (hg19) VCF-style: chr8-21978331-C-A.
Other names: c.2508G>T, p.Arg836= (NM_018411.4).
Identifiers: ClinVar variation 3035329 (VCV003035329.4), dbSNP rs768134037, ClinGen allele CA4662091.
Genomic context (GRCh38, chr8:22,120,818, plus strand): 5'-CCGAGGGCAAGGCTGGGGCTCCTGCAGCCACAGCAAAGCCCCTGGGGGAGGCAGCCGGGG[C>A]CGCACTGGAGAGAGGGGCAGGCCCAGGCCCTTGCGCAGACCCGGGCCAGCTCGAAGCCCC-3'
Protein context (NP_005135.2, residues 826-846): KGLGLPLSPV[Arg836=]PRLPPPGALL

ClinVar aggregate classification (germline): Benign. Review status: criteria provided, single submitter (1 of 4 stars). 2 submissions from 2 submitters: Benign (1). 1 of the submissions does not count toward it. Last evaluated 2025-02-22.

Conditions:
HR-related disorder. Also called: HR-related condition; HR-related disorders. Identifiers: MedGen CN239293.

Allele frequency attached by ClinVar (database versions not stated): gnomAD exomes 0.00006; gnomAD 0.00007; TOPMed 0.00017; ExAC 0.00040.
gnomAD v4.1: 88 of 1,548,404 alleles (0.0057%); highest among the groups gnomAD compares: Admixed American, 0.07%; 1 homozygote.

Submissions (2):

Labcorp Genetics (formerly Invitae), Labcorp
Classification: Benign. Last evaluated: 2025-02-22. Review status: criteria provided, single submitter. Criteria: Invitae Variant Classification Sherloc (09022015). Collection method: clinical testing. Allele origin: germline.

PreventionGenetics, part of Exact Sciences
Classification: Likely benign for HR-related condition. Last evaluated: 2019-08-07. Review status: no assertion criteria provided. Collection method: clinical testing. Allele origin: germline. Not counted in ClinVar's aggregate classification.
Comment: This variant is classified as likely benign based on ACMG/AMP sequence variant interpretation guidelines (Richards et al. 2015 PMID: 25741868, with internal and published modifications).